The following is an entry in ClinVar:

ClinVar aggregate classification (germline): Uncertain significance (1 of 4 stars; one submission).

Submission:

Women's Health and Genetics/Laboratory Corporation of America, LabCorp
Classification: Uncertain significance. Last evaluated: 2026-02-17. Review status: criteria provided, single submitter. Criteria: LabCorp Variant Classification Summary - May 2015. Collection method: clinical testing. Allele origin: germline.
Comment: Variant summary: C2CD3 c.3107C>T (p.Pro1036Leu) results in a non-conservative amino acid change in the encoded protein sequence. Algorithms developed to predict the effect of missense changes on protein structure and function are either unavailable or do not agree on the potential impact of this missense change. The variant was absent in 251286 control chromosomes. The available data on variant occurrences in the general population are insufficient to allow any conclusion about variant significance. To our knowledge, no occurrence of c.3107C>T in individuals affected with C2CD3-related conditions and no experimental evidence demonstrating its impact on protein function have been reported. No submitters have cited clinical-significance assessments for this variant to ClinVar. Based on the evidence outlined above, the variant was classified as uncertain significance.

NM_001286577.2(C2CD3):c.3107C>T (p.Pro1036Leu)

Gene: C2CD3 (C2 domain containing 3 centriole elongation regulator; minus strand). Cytogenetic location: 11q13.4.
Variant type: single nucleotide variant.
Coding change: c.3107C>T on transcript NM_001286577.2 (MANE Select); coding-DNA position 3107, C replaced by T.
Protein change: p.Pro1036Leu; replaces proline 1036 with leucine.
Molecular consequence: missense variant.
Genome position (GRCh38, 1-based): chr11:74,095,281, G>A on the plus strand (C>T on the coding strand, the complement: C2CD3 is on the minus strand). VCF-style: chr11-74095281-G-A. GRCh37 (hg19) VCF-style: chr11-73806326-G-A.
Other names: c.3107C>T, p.Pro1036Leu (NM_015531.6); short protein forms P1036L.
Identifiers: ClinVar variation 4848299 (VCV004848299.1).